The following is an entry in ClinVar:

ClinVar aggregate classification (germline): Likely pathogenic (1 of 4 stars; one submission).

Submission:

Labcorp Genetics (formerly Invitae), Labcorp
Classification: Likely pathogenic. Last evaluated: 2021-01-05. Review status: criteria provided, single submitter. Criteria: Invitae Variant Classification Sherloc (09022015). Collection method: clinical testing. Allele origin: germline.
Comment: In summary, the currently available evidence indicates that the variant is pathogenic, but additional data are needed to prove that conclusively. Therefore, this variant has been classified as Likely Pathogenic. Algorithms developed to predict the effect of sequence changes on RNA splicing suggest that this variant may disrupt the consensus splice site, but this prediction has not been confirmed by published transcriptional studies. This variant has not been reported in the literature in individuals with VPS13A-related conditions. This variant is not present in population databases (ExAC no frequency). This sequence change affects an acceptor splice site in intron 25 of the VPS13A gene. It is expected to disrupt RNA splicing. Variants that disrupt the donor or acceptor splice site typically lead to a loss of protein function (PMID: 16199547), and loss-of-function variants in VPS13A are known to be pathogenic (PMID: 12404112, 21598378).

Literature cited by the submitters: PubMed 16199547; PubMed 12404112; PubMed 21598378.

NM_033305.3(VPS13A):c.2668-2A>G

Gene: VPS13A (vacuolar protein sorting 13 homolog A; plus strand). Cytogenetic location: 9q21.2.
Variant type: single nucleotide variant.
Coding change: c.2668-2A>G on transcript NM_033305.3 (MANE Select); the canonical splice acceptor site of the intron before coding-DNA position 2668, A replaced by G.
Molecular consequence: splice acceptor variant.
Genome position (GRCh38, 1-based): chr9:77,276,063, A>G. VCF-style: chr9-77276063-A-G. GRCh37 (hg19) VCF-style: chr9-79890979-A-G.
Other names: c.2668-2A>G (NM_001018037.2, NM_015186.4, NM_001018038.3).
Identifiers: ClinVar variation 1347559 (VCV001347559.8), dbSNP rs2131332247, ClinGen allele CA373844727.